The following is an entry in ClinVar:

ClinVar aggregate classification (germline): Uncertain significance (1 of 4 stars; one submission).

Conditions:
Inborn genetic diseases. Identifiers: MedGen C0950123, MeSH D030342.

gnomAD v4.1: 1 of 1,609,520 alleles (0.000062%); highest among the groups gnomAD compares: Non-Finnish European, 0.000085%; no homozygotes.

Submission:

Ambry Genetics
Classification: Uncertain significance for Inborn genetic diseases. Last evaluated: 2026-06-15. Review status: criteria provided, single submitter. Criteria: Ambry Variant Classification Scheme 2023. Collection method: clinical testing. Allele origin: germline.
Comment: The c.7492G>A (p.G2498S) alteration is located in exon 48 (coding exon 48) of the TRIO gene. This alteration results from a G to A substitution at nucleotide position 7492, causing the glycine (G) at amino acid position 2498 to be replaced by a serine (S). Based on data from gnomAD, the A allele has an overall frequency of <0.001% (0/228312) total alleles studied. The highest observed frequency was <0.001% (/) of alleles. Based on insufficient or conflicting evidence, the clinical significance of this alteration remains unclear.

NM_007118.4(TRIO):c.7492G>A (p.Gly2498Ser)

Gene: TRIO (trio Rho guanine nucleotide exchange factor; plus strand). Cytogenetic location: 5p15.2.
Variant type: single nucleotide variant.
Coding change: c.7492G>A on transcript NM_007118.4 (MANE Select); coding-DNA position 7492, G replaced by A.
Protein change: p.Gly2498Ser; replaces glycine 2498 with serine.
Molecular consequence: missense variant.
Genome position (GRCh38, 1-based): chr5:14,488,120, G>A. VCF-style: chr5-14488120-G-A. GRCh37 (hg19) VCF-style: chr5-14488229-G-A.
Other names: short protein forms G2498S.
Identifiers: ClinVar variation 5031120 (VCV005031120.1).